The following is an entry in ClinVar:

NM_005762.3(TRIM28):c.1512C>T (p.Pro504=)

Gene: TRIM28 (tripartite motif containing 28; plus strand). Cytogenetic location: 19q13.43.
Variant type: single nucleotide variant.
Coding change: c.1512C>T on transcript NM_005762.3 (MANE Select); coding-DNA position 1512, C replaced by T.
Protein change: p.Pro504=; no amino-acid change (proline 504 retained).
Molecular consequence: synonymous variant.
Genome position (GRCh38, 1-based): chr19:58,549,090, C>T. VCF-style: chr19-58549090-C-T. GRCh37 (hg19) VCF-style: chr19-59060457-C-T.
Identifiers: ClinVar variation 3711656 (VCV003711656.2).

ClinVar aggregate classification (germline): Uncertain significance (1 of 4 stars; one submission).

gnomAD v4.1: 47 of 1,614,084 alleles (0.0029%); highest among the groups gnomAD compares: Middle Eastern, 0.033%; 1 homozygote.

Submission:

Labcorp Genetics (formerly Invitae), Labcorp
Classification: Uncertain significance. Last evaluated: 2025-04-28. Review status: criteria provided, single submitter. Criteria: Invitae Variant Classification Sherloc (09022015). Collection method: clinical testing. Allele origin: germline.
Comment: This sequence change affects codon 504 of the TRIM28 mRNA. It is a 'silent' change, meaning that it does not change the encoded amino acid sequence of the TRIM28 protein. This variant is present in population databases (rs149536528, gnomAD 0.006%). This variant has not been reported in the literature in individuals affected with TRIM28-related conditions. ClinVar contains an entry for this variant (Variation ID: 3711656). Experimental studies and prediction algorithms are not available or were not evaluated, and the effect of this variant on mRNA splicing is currently unknown. In summary, the available evidence is currently insufficient to determine the role of this variant in disease. Therefore, it has been classified as a Variant of Uncertain Significance.